The following is an entry in ClinVar:

NM_003366.4(UQCRC2):c.548G>A (p.Arg183Gln)

Genes: PDZD9 (PDZ domain containing 9), UQCRC2 (ubiquinol-cytochrome c reductase core protein 2). Cytogenetic location: 16p12.2.
Variant type: single nucleotide variant.
Coding change: c.548G>A on transcript NM_003366.4 (MANE Select); coding-DNA position 548, G replaced by A.
Protein change: p.Arg183Gln; replaces arginine 183 with glutamine.
Molecular consequence: missense variant.
Genome position (GRCh38, 1-based): chr16:21,965,441, G>A. VCF-style: chr16-21965441-G-A. GRCh37 (hg19) VCF-style: chr16-21976762-G-A.
Other names: short protein forms R183Q.
Identifiers: ClinVar variation 380582 (VCV000380582.14), dbSNP rs4850, ClinGen allele CA7953791.

ClinVar aggregate classification (germline): Benign. Review status: criteria provided, multiple submitters, no conflicts (2 of 4 stars). 5 submissions from 5 submitters: Benign (4). 1 of the submissions does not count toward it. Last evaluated 2026-01-26.

Conditions:
Mitochondrial complex III deficiency nuclear type 5. Identifiers: MedGen C3554608, MONDO:0014066, OMIM 615160.

Allele frequency attached by ClinVar (database versions not stated): TOPMed 0.03409; gnomAD 0.03674 and 0.03828; gnomAD exomes 0.03930 and 0.04837; ESP Exome Variant Server 0.03955; ExAC 0.04294; 1000 Genomes Project 0.01418; 1000 Genomes Project 30x 0.01483.
gnomAD v4.1: 75,752 of 1,613,620 alleles (4.7%); highest among the groups gnomAD compares: Non-Finnish European, 5.5%; 2,191 homozygotes.

Submissions (5):

Labcorp Genetics (formerly Invitae), Labcorp
Classification: Benign. Last evaluated: 2026-01-26. Review status: criteria provided, single submitter. Criteria: Invitae Variant Classification Sherloc (09022015). Collection method: clinical testing. Allele origin: germline.

Genome-Nilou Lab
Classification: Benign for Mitochondrial complex III deficiency nuclear type 5. Last evaluated: 2021-12-05. Review status: criteria provided, single submitter. Criteria: ACMG Guidelines, 2015. Collection method: clinical testing. Allele origin: germline. Affected: no.

GeneDx
Classification: Benign. Last evaluated: 2016-02-12. Review status: criteria provided, single submitter. Criteria: GeneDx Variant Classification (06012015). Collection method: clinical testing. Allele origin: germline. Affected: yes.
Comment: This variant is considered likely benign or benign based on one or more of the following criteria: it is a conservative change, it occurs at a poorly conserved position in the protein, it is predicted to be benign by multiple in silico algorithms, and/or has population frequency not consistent with disease.

Breakthrough Genomics
Classification: Benign. Review status: criteria provided, single submitter. Criteria: ACMG Guidelines, 2015. Collection method: not provided. Allele origin: germline. Inheritance: Autosomal recessive inheritance. Affected: yes.

Mayo Clinic Laboratories, Mayo Clinic
Classification: Likely benign. Last evaluated: 2016-02-23. Review status: no assertion criteria provided. Collection method: clinical testing. Allele origin: unknown. Not counted in ClinVar's aggregate classification.